The following is an entry in ClinVar:

NM_022356.4(P3H1):c.1222A>T (p.Lys408Ter)

Gene: P3H1 (prolyl 3-hydroxylase 1; minus strand). Cytogenetic location: 1p34.2.
Variant type: single nucleotide variant.
Coding change: c.1222A>T on transcript NM_022356.4 (MANE Select); coding-DNA position 1222, A replaced by T.
Protein change: p.Lys408Ter; replaces lysine 408 with a stop codon.
Molecular consequence: nonsense.
Genome position (GRCh38, 1-based): chr1:42,755,166, T>A on the plus strand (A>T on the coding strand, the complement: P3H1 is on the minus strand). VCF-style: chr1-42755166-T-A. GRCh37 (hg19) VCF-style: chr1-43220837-T-A.
Other names: c.1222A>T, p.Lys408Ter (NM_001146289.2, NM_001243246.2); short protein forms K408*.
Identifiers: ClinVar variation 566925 (VCV000566925.8), dbSNP rs1557569037, ClinGen allele CA339957967.

ClinVar aggregate classification (germline): Pathogenic (1 of 4 stars; one submission).

Conditions:
Osteogenesis imperfecta type 8 (OI8). Identifiers: MedGen C1970458, MONDO:0012581, OMIM 610915.

Submission:

Labcorp Genetics (formerly Invitae), Labcorp
Classification: Pathogenic for Osteogenesis imperfecta type 8. Last evaluated: 2019-09-12. Review status: criteria provided, single submitter. Criteria: Invitae Variant Classification Sherloc (09022015). Collection method: clinical testing. Allele origin: germline.
Comment: For these reasons, this variant has been classified as Pathogenic. Loss-of-function variants in P3H1 are known to be pathogenic (PMID: 17277775, 19088120). This variant has not been reported in the literature in individuals with P3H1-related disease. This variant is not present in population databases (ExAC no frequency). This sequence change creates a premature translational stop signal (p.Lys408*) in the P3H1 gene. It is expected to result in an absent or disrupted protein product.

Literature cited by the submitters: PubMed 17277775; PubMed 19088120.